The following is an entry in ClinVar:

NM_000158.4(GBE1):c.1877A>G (p.Asn626Ser)

Gene: GBE1 (1,4-alpha-glucan branching enzyme 1; minus strand). Cytogenetic location: 3p12.2.
Variant type: single nucleotide variant.
Coding change: c.1877A>G on transcript NM_000158.4 (MANE Select); coding-DNA position 1877, A replaced by G.
Protein change: p.Asn626Ser; replaces asparagine 626 with serine.
Molecular consequence: missense variant.
Genome position (GRCh38, 1-based): chr3:81,535,252, T>C on the plus strand (A>G on the coding strand, the complement: GBE1 is on the minus strand). VCF-style: chr3-81535252-T-C. GRCh37 (hg19) VCF-style: chr3-81584403-T-C.
Other names: short protein forms N626S.
Identifiers: ClinVar variation 624031 (VCV000624031.54), dbSNP rs185631651, ClinGen allele CA2499534.

ClinVar aggregate classification (germline): Conflicting classifications of pathogenicity. Review status: criteria provided, conflicting classifications (1 of 4 stars). 7 submissions from 7 submitters: Uncertain significance (4); Likely benign (1). 2 of the submissions do not count toward it. Last evaluated 2026-01-26.

Conditions:
Glycogen storage disease IV, classic hepatic. Also called: GSD IV, CLASSIC HEPATIC. Identifiers: MedGen C1856301.
Glycogen storage disease, type IV (GSD4). Also called: Glycogen storage disease due to glycogen branching enzyme deficiency; AMYLOPECTINOSIS; ANDERSEN DISEASE; BRANCHER DEFICIENCY; CIRRHOSIS, FAMILIAL, WITH DEPOSITION OF ABNORMAL GLYCOGEN; GBE1 DEFICIENCY. Identifiers: Orphanet 367, MedGen C0017923, MONDO:0009292, OMIM 232500.
GBE1-related disorder. Also called: GBE1-related condition; GBE1-related disorders. Identifiers: MedGen CN239402.
Adult polyglucosan body disease (APBN). Also called: POLYGLUCOSAN BODY DISEASE, ADULT FORM; GBE1-Adult Polyglucosan Body Disease. Identifiers: Orphanet 206583, MedGen C1849722, MONDO:0009897, OMIM 263570.

Allele frequency attached by ClinVar (database versions not stated): gnomAD exomes 0.00004 and 0.00013; ExAC 0.00020; ESP Exome Variant Server 0.00048; gnomAD 0.00053 and 0.00054; TOPMed 0.00054; 1000 Genomes Project 0.00100; 1000 Genomes Project 30x 0.00187.
gnomAD v4.1: 143 of 1,611,730 alleles (0.0089%); highest among the groups gnomAD compares: African/African-American, 0.16%; no homozygotes.

Submissions (7):

Labcorp Genetics (formerly Invitae), Labcorp
Classification: Likely benign for Glycogen storage disease, type IV; Glycogen storage disease IV, classic hepatic. Last evaluated: 2026-01-26. Review status: criteria provided, single submitter. Criteria: Invitae Variant Classification Sherloc (09022015). Collection method: clinical testing. Allele origin: germline.

Blueprint Genetics
Classification: Uncertain significance. Last evaluated: 2024-07-04. Review status: criteria provided, single submitter. Criteria: ACMG Guidelines, 2015. Collection method: clinical testing. Allele origin: germline.

Fulgent Genetics
Classification: Uncertain significance for Glycogen storage disease, type IV; Adult polyglucosan body disease. Last evaluated: 2021-07-26. Review status: criteria provided, single submitter. Criteria: ACMG Guidelines, 2015. Collection method: clinical testing. Allele origin: unknown.

GeneDx
Classification: Uncertain significance. Last evaluated: 2021-06-10. Review status: criteria provided, single submitter. Criteria: GeneDx Variant Classification Process June 2021. Collection method: clinical testing. Allele origin: germline. Affected: yes.
Comment: In silico analysis, which includes protein predictors and evolutionary conservation, supports a deleterious effect; In addition, in silico splice predictors suggest this variant may lead to abnormal gene splicing; Has not been previously published as pathogenic or benign to our knowledge; This variant is associated with the following publications: (PMID: 27535533)

CeGaT Center for Human Genetics Tuebingen
Classification: Uncertain significance. Last evaluated: 2018-04-01. Review status: criteria provided, single submitter. Criteria: CeGaT Center For Human Genetics Tuebingen Variant Classification Criteria Version 2. Collection method: clinical testing. Allele origin: germline. Affected: yes. Observed: 1 variant allele.

PreventionGenetics, part of Exact Sciences
Classification: Likely benign for GBE1-related condition. Last evaluated: 2023-03-22. Review status: no assertion criteria provided. Collection method: clinical testing. Allele origin: germline. Not counted in ClinVar's aggregate classification.
Comment: This variant is classified as likely benign based on ACMG/AMP sequence variant interpretation guidelines (Richards et al. 2015 PMID: 25741868, with internal and published modifications).

Natera, Inc.
Classification: Uncertain significance for Glycogen storage disease type IV. Last evaluated: 2019-10-28. Review status: no assertion criteria provided. Collection method: clinical testing. Allele origin: germline. Not counted in ClinVar's aggregate classification.